The following is an entry in ClinVar:

NM_000047.3(ARSL):c.1545C>G (p.Asp515Glu)

Gene: ARSL (arylsulfatase L; minus strand). Cytogenetic location: Xp22.33.
Variant type: single nucleotide variant.
Coding change: c.1545C>G on transcript NM_000047.3 (MANE Select); coding-DNA position 1545, C replaced by G.
Protein change: p.Asp515Glu; replaces aspartic acid 515 with glutamic acid.
Molecular consequence: missense variant.
Genome position (GRCh38, 1-based): chrX:2,935,057, G>C on the plus strand (C>G on the coding strand, the complement: ARSL is on the minus strand). VCF-style: chrX-2935057-G-C. GRCh37 (hg19) VCF-style: chrX-2853098-G-C.
Other names: c.1620C>G, p.Asp540Glu (NM_001282628.2, NM_001369080.1); c.1383C>G, p.Asp461Glu (NM_001282631.2); c.1572C>G, p.Asp524Glu (NM_001369079.1); short protein forms D461E, D515E, D524E, D540E.
Identifiers: ClinVar variation 3252947 (VCV003252947.1), dbSNP rs2518311445.

ClinVar aggregate classification (germline): Uncertain significance (1 of 4 stars; one submission).

Submission:

GeneDx
Classification: Uncertain significance. Last evaluated: 2023-12-14. Review status: criteria provided, single submitter. Criteria: GeneDx Variant Classification Process June 2021. Collection method: clinical testing. Allele origin: germline. Affected: yes.
Comment: Not observed at significant frequency in large population cohorts (gnomAD); In silico analysis supports that this missense variant has a deleterious effect on protein structure/function; Has not been previously published as pathogenic or benign to our knowledge